The following is an entry in ClinVar:

NM_015166.4(MLC1):c.626C>A (p.Ala209Asp)

Gene: MLC1 (modulator of VRAC current 1; minus strand). Cytogenetic location: 22q13.33.
Variant type: single nucleotide variant.
Coding change: c.626C>A on transcript NM_015166.4 (MANE Select); coding-DNA position 626, C replaced by A.
Protein change: p.Ala209Asp; replaces alanine 209 with aspartic acid.
Molecular consequence: missense variant. On other transcripts: non-coding transcript variant (3).
Genome position (GRCh38, 1-based): chr22:50,074,304, G>T on the plus strand (C>A on the coding strand, the complement: MLC1 is on the minus strand). VCF-style: chr22-50074304-G-T. GRCh37 (hg19) VCF-style: chr22-50512733-G-T.
Other names: c.626C>A, p.Ala209Asp (NM_001376472.1, NM_001376473.1, NM_001376474.1 and 6 more transcripts); c.536C>A, p.Ala179Asp (NM_001376480.1); c.524C>A, p.Ala175Asp (NM_001376481.1); c.470C>A, p.Ala157Asp (NM_001376482.1, NM_001376483.1); c.389C>A, p.Ala130Asp (NM_001376484.1); short protein forms A130D, A157D, A175D, A179D, A209D.
Identifiers: ClinVar variation 1705504 (VCV001705504.1), dbSNP rs2518296192, ClinGen allele CA412109359.

ClinVar aggregate classification (germline): Uncertain significance (1 of 4 stars; one submission).

Conditions:
Megalencephalic leukoencephalopathy with subcortical cysts 1 (MLC1). Also called: VACUOLATING MEGALENCEPHALIC LEUKOENCEPHALOPATHY WITH SUBCORTICAL CYSTS; LEUKOENCEPHALOPATHY WITH SWELLING AND CYSTS. Identifiers: Orphanet 2478, MedGen C5779875, MONDO:0024555, OMIM 604004.

Submission:

3billion
Classification: Uncertain significance for Megalencephalic leukoencephalopathy with subcortical cysts 1. Last evaluated: 2022-09-01. Review status: criteria provided, single submitter. Criteria: ACMG Guidelines, 2015. Collection method: clinical testing. Allele origin: germline. Affected: yes. Observed: 1 homozygote.
Comment: The variant is not observed in the gnomAD v2.1.1 dataset. In silico tool predictions suggest damaging effect of the variant on gene or gene product (REVEL: 0.84; 3Cnet: 0.64). Therefore, this variant is classified as uncertain significance according to the recommendation of ACMG/AMP guideline.